The following is an entry in ClinVar:

ClinVar aggregate classification (germline): Uncertain significance (1 of 4 stars; one submission).

Conditions:
Charcot-Marie-Tooth disease axonal type 2O. Also called: CHARCOT-MARIE-TOOTH NEUROPATHY, AXONAL, TYPE 2O; CHARCOT-MARIE-TOOTH DISEASE, AXONAL, AUTOSOMAL DOMINANT, TYPE 2O; Charcot-Marie-Tooth Neuropathy Type 2O; Charcot-Marie-Tooth disease, axonal, type 20. Identifiers: Orphanet 284232, MedGen C3280220, MONDO:0013644, OMIM 614228.

Submission:

Labcorp Genetics (formerly Invitae), Labcorp
Classification: Uncertain significance for Charcot-Marie-Tooth disease axonal type 2O. Last evaluated: 2025-07-06. Review status: criteria provided, single submitter. Criteria: Invitae Variant Classification Sherloc (09022015). Collection method: clinical testing. Allele origin: germline.
Comment: This sequence change replaces asparagine, which is neutral and polar, with threonine, which is neutral and polar, at codon 3700 of the DYNC1H1 protein (p.Asn3700Thr). This variant is not present in population databases (gnomAD no frequency). This variant has not been reported in the literature in individuals affected with DYNC1H1-related conditions. Invitae Evidence Modeling of protein sequence and biophysical properties (such as structural, functional, and spatial information, amino acid conservation, physicochemical variation, residue mobility, and thermodynamic stability) indicates that this missense variant is expected to disrupt DYNC1H1 protein function with a positive predictive value of 95%. In summary, the available evidence is currently insufficient to determine the role of this variant in disease. Therefore, it has been classified as a Variant of Uncertain Significance.

NM_001376.5(DYNC1H1):c.11099A>C (p.Asn3700Thr)

Gene: DYNC1H1 (dynein cytoplasmic 1 heavy chain 1; plus strand). Cytogenetic location: 14q32.31.
Variant type: single nucleotide variant.
Coding change: c.11099A>C on transcript NM_001376.5 (MANE Select); coding-DNA position 11099, A replaced by C.
Protein change: p.Asn3700Thr; replaces asparagine 3700 with threonine.
Molecular consequence: missense variant.
Genome position (GRCh38, 1-based): chr14:102,038,741, A>C. VCF-style: chr14-102038741-A-C. GRCh37 (hg19) VCF-style: chr14-102505078-A-C.
Other names: short protein forms N3700T.
Identifiers: ClinVar variation 4802077 (VCV004802077.1).